The following is an entry in ClinVar:

ClinVar aggregate classification (germline): Pathogenic (3 of 4 stars; one submission).

Conditions:
Phenylketonuria (PKU). Also called: OLIGOPHRENIA PHENYLPYRUVICA; Phenylketonuria (PKU); Phenylketonurias; FOLLING DISEASE. Identifiers: Orphanet 716, MedGen C0031485, MONDO:0009861, OMIM 261600. Disease mechanism: loss of function.

Submission:

ClinGen PAH Variant Curation Expert Panel
Classification: Pathogenic for Phenylketonuria. Last evaluated: 2020-10-30. Review status: reviewed by expert panel. Criteria: ClinGen PAH ACMG Specifications v1. Collection method: curation. Allele origin: germline. Inheritance: Autosomal recessive inheritance.
Comment: The c.584dup PAH variant has been identified in at least one patient with PKU (PMID: 25550961) and is absent from 1000G, ESP, and gnomAD databases. This variant leads to the frameshift Ser196ValfsTer4, creating a stop codon in exon 6 of 13 which is predicted to cause NMD. In summary, this variant meets criteria to be classified as pathogenic for PAH. PAH-specific ACMG/AMP criteria applied: PVS1, PP4, PM2.

Literature cited by the submitters: PubMed 25550961.

NM_000277.3(PAH):c.584dup (p.Ser196fs)

Gene: PAH (phenylalanine hydroxylase; minus strand). Cytogenetic location: 12q23.2.
Variant type: Duplication.
Coding change: c.584dup on transcript NM_000277.3 (MANE Select); coding-DNA position 584, one base duplicated (A; older notation c.584dupA).
Protein change: p.Ser196fs; shifts the reading frame from serine 196.
Molecular consequence: frameshift variant.
Genome position (GRCh38, 1-based): chr12:102,855,258, T duplicated on the plus strand (A on the coding strand, the reverse complement: PAH is on the minus strand); the first of 2 consecutive T bases (chr12:102,855,258-102,855,259); duplicating either gives the same sequence. VCF-style (leftmost placement, unchanged base first): chr12-102855257-C-CT. GRCh37 (hg19) VCF-style: chr12-103249035-C-CT.
Other names: c.584dup, p.Ser196fs (NM_001354304.2); short protein forms S196fs.
Identifiers: ClinVar variation 987923 (VCV000987923.1), dbSNP rs1875368328, ClinGen allele CA16020821.